The following is an entry in ClinVar:

ClinVar aggregate classification (germline): Conflicting classifications of pathogenicity. Review status: criteria provided, conflicting classifications (1 of 4 stars). 5 submissions from 4 submitters: Uncertain significance (2); Likely benign (2). 1 of the submissions does not count toward it. Last evaluated 2025-04-16.

Conditions:
Retinitis pigmentosa (RP). Identifiers: Orphanet 791, MedGen C0035334, MeSH D012174, MONDO:0019200, OMIM 268000. Inheritance: Autosomal dominant, autosomal recessive and X linked inheritance.
SEMA4A-related disorder. Also called: SEMA4A-related condition.
Cone-rod dystrophy 10 (CORD10). Identifiers: Orphanet 1872, MedGen C1846529, MONDO:0012464, OMIM 610283.

Allele frequency attached by ClinVar (database versions not stated): gnomAD exomes 0.00005 and 0.00010; gnomAD 0.00006; TOPMed 0.00006; ExAC 0.00015.

Submissions (5):

Labcorp Genetics (formerly Invitae), Labcorp
Classification: Likely benign. Last evaluated: 2025-04-16. Review status: criteria provided, single submitter. Criteria: Invitae Variant Classification Sherloc (09022015). Collection method: clinical testing. Allele origin: germline.

Blueprint Genetics
Classification: Likely benign. Last evaluated: 2024-10-16. Review status: criteria provided, single submitter. Criteria: ACMG Guidelines, 2015. Collection method: clinical testing. Allele origin: germline.

Illumina Laboratory Services, Illumina
Classification: Uncertain significance for Retinitis pigmentosa. Last evaluated: 2018-03-30. Review status: criteria provided, single submitter. Criteria: ICSL Variant Classification Criteria 13 December 2019. Collection method: clinical testing. Allele origin: germline.

Illumina Laboratory Services, Illumina
Classification: Uncertain significance for Cone-rod dystrophy 10. Last evaluated: 2018-03-30. Review status: criteria provided, single submitter. Criteria: ICSL Variant Classification Criteria 13 December 2019. Collection method: clinical testing. Allele origin: germline.

PreventionGenetics, part of Exact Sciences
Classification: Likely benign for SEMA4A-related condition. Last evaluated: 2019-08-08. Review status: no assertion criteria provided. Collection method: clinical testing. Allele origin: germline. Not counted in ClinVar's aggregate classification.
Comment: This variant is classified as likely benign based on ACMG/AMP sequence variant interpretation guidelines (Richards et al. 2015 PMID: 25741868, with internal and published modifications).

NM_022367.4(SEMA4A):c.1653C>A (p.Pro551=)

Gene: SEMA4A (semaphorin 4A; plus strand). Cytogenetic location: 1q22.
Variant type: single nucleotide variant.
Coding change: c.1653C>A on transcript NM_022367.4 (MANE Select); coding-DNA position 1653, C replaced by A.
Protein change: p.Pro551=; no amino-acid change (proline 551 retained).
Molecular consequence: synonymous variant.
Genome position (GRCh38, 1-based): chr1:156,175,616, C>A. VCF-style: chr1-156175616-C-A. GRCh37 (hg19) VCF-style: chr1-156145407-C-A.
Other names: c.1653C>A, p.Pro551= (NM_001193300.2, NM_001193301.2, NM_001370567.1); c.1257C>A, p.Pro419= (NM_001193302.2); c.1356C>A, p.Pro452= (NM_001370568.1); c.1146C>A, p.Pro382= (NM_001370569.1, NM_001370571.1).
Identifiers: ClinVar variation 727396 (VCV000727396.15), dbSNP rs757466000, ClinGen allele CA1155425.